The following is an entry in ClinVar:

ClinVar aggregate classification (germline): Uncertain significance. Review status: criteria provided, multiple submitters, no conflicts (2 of 4 stars). 3 submissions from 3 submitters: Uncertain significance (3). Last evaluated 2025-11-14.

Conditions:
TTN-related disorder. Also called: TTN-related disorders; TTN-related condition; TTN-related disease.

Allele frequency attached by ClinVar (database versions not stated): gnomAD exomes below 0.00001; gnomAD 0.00001; TOPMed 0.00001.
gnomAD v4.1: 2 of 1,613,668 alleles (0.00012%); highest among the groups gnomAD compares: Admixed American, 0.0017%; no homozygotes.

Submissions (3):

PreventionGenetics, part of Exact Sciences
Classification: Uncertain significance for TTN-related condition. Last evaluated: 2025-11-14. Review status: criteria provided, single submitter. Criteria: ACMG Guidelines, 2015. Collection method: clinical testing. Allele origin: germline.
Comment: The TTN c.100407T>G variant is predicted to result in the amino acid substitution p.Cys33469Trp. To our knowledge, this variant has not been reported in the literature or in a large population database (gnomAD), indicating this variant is rare. At this time, the clinical significance of this variant is uncertain due to the absence of conclusive functional and genetic evidence.

Mayo Clinic Laboratories, Mayo Clinic
Classification: Uncertain significance. Last evaluated: 2024-03-11. Review status: criteria provided, single submitter. Criteria: ACMG Guidelines, 2015. Collection method: clinical testing. Allele origin: germline. Observed: 1 variant allele.
Comment: PM2

GeneDx
Classification: Uncertain significance. Last evaluated: 2019-08-30. Review status: criteria provided, single submitter. Criteria: GeneDx Variant Classification Process June 2021. Collection method: clinical testing. Allele origin: germline. Affected: yes.
Comment: Not observed at a significant frequency in large population cohorts (Lek et al., 2016)

NM_001267550.2(TTN):c.100407T>G (p.Cys33469Trp)

Genes: TTN (titin; minus strand), TTN-AS1 (TTN antisense RNA 1; plus strand). Cytogenetic location: 2q31.2.
Variant type: single nucleotide variant.
Coding change: c.100407T>G on transcript NM_001267550.2 (MANE Select); coding-DNA position 100407, T replaced by G.
Protein change: p.Cys33469Trp; replaces cysteine 33469 with tryptophan.
Molecular consequence: missense variant.
Genome position (GRCh38, 1-based): chr2:178,536,340, A>C on the plus strand (T>G on the coding strand, the complement: TTN is on the minus strand). VCF-style: chr2-178536340-A-C. GRCh37 (hg19) VCF-style: chr2-179401067-A-C.
Other names: p.Cys31828Trp; c.95484T>G, p.Cys31828Trp (NM_001256850.1); c.73212T>G, p.Cys24404Trp (NM_003319.4); c.92703T>G, p.Cys30901Trp (NM_133378.4); c.73587T>G, p.Cys24529Trp (NM_133432.3); c.73788T>G, p.Cys24596Trp (NM_133437.4); short protein forms C24404W, C24529W, C24596W, C30901W, C31828W, C33469W.
Identifiers: ClinVar variation 1305442 (VCV001305442.4), dbSNP rs979276403, ClinGen allele CA60960807.